The following is an entry in ClinVar:

ClinVar aggregate classification (germline): Uncertain significance (1 of 4 stars; one submission).

Allele frequency attached by ClinVar (database versions not stated): gnomAD exomes below 0.00001; ExAC 0.00001.
gnomAD v4.1: 3 of 1,614,138 alleles (0.00019%); highest among the groups gnomAD compares: Admixed American, 0.0017%; no homozygotes.

Submission:

Labcorp Genetics (formerly Invitae), Labcorp
Classification: Uncertain significance. Last evaluated: 2024-08-01. Review status: criteria provided, single submitter. Criteria: Invitae Variant Classification Sherloc (09022015). Collection method: clinical testing. Allele origin: germline.
Comment: This sequence change replaces glutamic acid, which is acidic and polar, with lysine, which is basic and polar, at codon 925 of the FBN3 protein (p.Glu925Lys). This variant is present in population databases (rs769706501, gnomAD 0.003%). This variant has not been reported in the literature in individuals affected with FBN3-related conditions. Advanced modeling of protein sequence and biophysical properties (such as structural, functional, and spatial information, amino acid conservation, physicochemical variation, residue mobility, and thermodynamic stability) performed at Invitae indicates that this missense variant is not expected to disrupt FBN3 protein function with a negative predictive value of 80%. In summary, the available evidence is currently insufficient to determine the role of this variant in disease. Therefore, it has been classified as a Variant of Uncertain Significance.

NM_032447.5(FBN3):c.2773G>A (p.Glu925Lys)

Gene: FBN3 (fibrillin 3; minus strand). Cytogenetic location: 19p13.2.
Variant type: single nucleotide variant.
Coding change: c.2773G>A on transcript NM_032447.5 (MANE Select); coding-DNA position 2773, G replaced by A.
Protein change: p.Glu925Lys; replaces glutamic acid 925 with lysine.
Molecular consequence: missense variant.
Genome position (GRCh38, 1-based): chr19:8,123,967, C>T on the plus strand (G>A on the coding strand, the complement: FBN3 is on the minus strand). VCF-style: chr19-8123967-C-T. GRCh37 (hg19) VCF-style: chr19-8188851-C-T.
Other names: c.2773G>A, p.Glu925Lys (NM_001321431.2); short protein forms E925K.
Identifiers: ClinVar variation 2872146 (VCV002872146.3), dbSNP rs769706501, ClinGen allele CA9152712.
Genomic context (GRCh38, chr19:8,123,967, plus strand): 5'-CCCCGATGGAGCAGCAGCAGACGTCCATCCGGTACTTGCCAGGCAGGGTGACCCCACACT[C>T]ATCCTCATCCCATCGCAGGAAACATGGTTCCAATCTCACATCTGCACGGGGGACAGTCAC-3'
Protein context (NP_115823.3, residues 915-935): EPCFLRWDED[Glu925Lys]CGVTLPGKYR